The following is an entry in ClinVar:

NM_000113.3(TOR1A):c.790_793del (p.Asp264fs)

Gene: TOR1A (torsin family 1 member A; minus strand). Cytogenetic location: 9q34.11.
Variant type: Deletion.
Coding change: c.790_793del on transcript NM_000113.3 (MANE Select); coding-DNA positions 790 to 793, 4 bases deleted (GATT; older notation c.790_793delGATT).
Protein change: p.Asp264fs; shifts the reading frame from aspartic acid 264.
Molecular consequence: frameshift variant.
Genome position (GRCh38, 1-based): chr9:129,814,178-129,814,181, AATC deleted on the plus strand (GATT on the coding strand, the reverse complement: TOR1A is on the minus strand); deleting any 4 consecutive bases within chr9:129,814,178-129,814,184 gives the same sequence; the c. name uses the placement nearest the transcript's 3' end. VCF-style (leftmost placement, unchanged base first): chr9-129814177-TAATC-T. GRCh37 (hg19) VCF-style: chr9-132576456-TAATC-T.
Other names: short protein forms D264fs.
Identifiers: ClinVar variation 3377609 (VCV003377609.1).

ClinVar aggregate classification (germline): Likely pathogenic (1 of 4 stars; one submission).

Conditions:
Arthrogryposis multiplex congenita 5. Identifiers: MedGen C5436453, MONDO:0100218, OMIM 618947.

Submission:

Neuberg Centre For Genomic Medicine, NCGM
Classification: Likely pathogenic for Arthrogryposis multiplex congenita 5. Review status: criteria provided, single submitter. Criteria: ACMG Guidelines, 2015. Collection method: clinical testing. Allele origin: germline. Inheritance: Autosomal recessive inheritance. Affected: yes.
Comment: The frameshift variant c.790_793del(p.Asp264IlefsTer13) in TOR1A gene has not been reported previously as a pathogenic variant nor as a benign variant, to our knowledge. The observed variant has allele frequency of 0.001% in gnomAD exomes database. This variant has not been submitted to the ClinVar database. This variant causes a frameshift starting with codon Aspartic Acid 264, changes this amino acid to Isoleucine residue, and creates a premature Stop codon at position 13 of the new reading frame, denoted p.Asp264IlefsTer13. This variant is predicted to cause loss of normal protein function through protein truncation. Loss of function variants have been previously reported to be disease causing. Downstream termination variant in TOR1A gene has been reported to be pathogenic. However, functional studies will be required to confirm the pathogenicity of the variant. For these reasons, this variant has been classified as Likely Pathogenic.